The following is an entry in ClinVar:

NM_206933.4(USH2A):c.3547_3548del (p.Ile1183fs)

Genes: USH2A (usherin; minus strand), USH2A-AS1 (USH2A antisense RNA 1; plus strand). Cytogenetic location: 1q41.
Variant type: Microsatellite.
Coding change: c.3547_3548del on transcript NM_206933.4 (MANE Select); coding-DNA positions 3547 to 3548, 2 bases deleted (AT; older notation c.3547_3548delAT).
Protein change: p.Ile1183fs; shifts the reading frame from isoleucine 1183.
Molecular consequence: frameshift variant.
Genome position (GRCh38, 1-based): chr1:216,199,890-216,199,891, AT deleted on the plus strand (AT on the coding strand, the reverse complement: USH2A is on the minus strand); deleting any 2 consecutive bases within chr1:216,199,890-216,199,895 gives the same sequence; the c. name uses the placement nearest the transcript's 3' end. VCF-style (leftmost placement, unchanged base first): chr1-216199889-AAT-A. GRCh37 (hg19) VCF-style: chr1-216373231-AAT-A.
Other names: NM_206933.4(USH2A):c.3547_3548del; c.3547_3548del, p.Ile1183fs (NM_007123.6); c.3547_3548del (NM_206933.2); short protein forms I1183fs.
Identifiers: ClinVar variation 48503 (VCV000048503.23), dbSNP rs397518013, ClinGen allele CA262101.
Genomic context (GRCh38, chr1:216,199,889, plus strand): 5'-GGTTTCATGACCTTCGTAGGAAACACATGGCTGACCACCAGCCAAAGGGGCACAGGACAA[AAT>A]ATATTTCTCTATGGGACCAGATTGATTTGAGAGTGTTGTCCAGGTAAGTGTCACAGAGTC-3'

ClinVar aggregate classification (germline): Likely pathogenic. Review status: reviewed by expert panel (3 of 4 stars). 7 submissions from 6 submitters: Likely pathogenic (1). 6 of the submissions do not count toward it. Last evaluated 2022-11-22.

Conditions:
Retinitis pigmentosa 39 (RP39). Identifiers: Orphanet 791, MedGen C3151138, MONDO:0013436, OMIM 613809.
Rare genetic deafness. Identifiers: Orphanet 96210, MedGen C5680250.
Usher syndrome. Also called: Usher Syndromes; Usher's syndrome. Identifiers: Orphanet 886, MedGen CN469326, MeSH D052245, MONDO:0019501. Disease mechanism: loss of function.
Usher syndrome type 2A. Also called: RETINAL DISEASE IN USHER SYNDROME TYPE IIA, MODIFIER OF; USHER SYNDROME, TYPE IIA. Identifiers: Orphanet 231178, Orphanet 886, MedGen C1848634, MONDO:0010169, OMIM 276901.

Submissions (7):

ClinGen Hearing Loss Variant Curation Expert Panel
Classification: Likely pathogenic for Usher syndrome. Last evaluated: 2022-11-22. Review status: reviewed by expert panel. Criteria: Clingen Hl Acmg Specifications Cdh23 Coch Gjb2 Kcnq4 Myo6 Myo7a Slc26a4 Tecta Ush2a V2. Collection method: curation. Allele origin: germline. Inheritance: Autosomal recessive inheritance.
Comment: The p.Ile1183fs variant in USH2A introduces a premature stop codon in biologically-relevant-exon 17/72 that is predicted to lead to a truncated or absent protein in a gene in which loss-of-function is an established disease mechanism (PVS1; PMIDs: 9624053, 25211151, 20497194). The highest population minor allele frequency in gnomAD v2.1.1 is 0.00088% (1/113352 alleles) in the European (non-Finnish) population, which is lower than the ClinGen Hearing Loss VCEP threshold (<0.007%) for PM2_Supporting, meeting this criterion (PM2_Supporting). One proband with autosomal recessive retinitis pigmentosa was identified to be carrying the p.Ile1183fs variant with no variant reported in trans (PMID: 35266249). This variant was re-reviewed on 11/22/2022 and because no additional evidence is available, professional judgment was used to retain this variant as likely pathogenic for autosomal recessive Usher Syndrome based on the ACMG/AMP criteria applied as specified by the ClinGen Hearing Loss VCEP: PVS1, PM2_P (ClinGen Hearing Loss VCEP specifications version 2; 11/22/2022).

Labcorp Genetics (formerly Invitae), Labcorp
Classification: Pathogenic. Last evaluated: 2025-10-25. Review status: criteria provided, single submitter. Criteria: Invitae Variant Classification Sherloc (09022015). Collection method: clinical testing. Allele origin: germline. Not counted in ClinVar's aggregate classification.
Comment: This sequence change creates a premature translational stop signal (p.Ile1183Phefs*19) in the USH2A gene. It is expected to result in an absent or disrupted protein product. Loss-of-function variants in USH2A are known to be pathogenic (PMID: 10729113, 10909849, 20507924, 25649381). This variant is present in population databases (rs397518013, gnomAD 0.0009%). This variant has not been reported in the literature in individuals affected with USH2A-related conditions. For these reasons, this variant has been classified as Pathogenic.

Baylor Genetics
Classification: Pathogenic for Retinitis pigmentosa 39. Last evaluated: 2024-02-16. Review status: criteria provided, single submitter. Criteria: ACMG Guidelines, 2015. Collection method: clinical testing. Allele origin: unknown. Not counted in ClinVar's aggregate classification.

Laboratory for Molecular Medicine, Mass General Brigham Personalized Medicine
Classification: Pathogenic for Rare genetic deafness. Last evaluated: 2011-03-31. Review status: criteria provided, single submitter. Criteria: LMM Criteria. Collection method: clinical testing. Allele origin: germline. Observed: 1 variant allele. Not counted in ClinVar's aggregate classification.
Comment: The Ile1183fs variant in USH2A has not been reported in the literature nor previ ously identified by our laboratory. The Ile1183fs variant is predicted to cause a frameshift, which alters the protein's amino acid sequence beginning at codon 1183 and leads to a premature stop codon 18 codons downstream. This alteration i s then predicted to lead to a truncated or absent protein. In summary, this vari ant meets our criteria to be classified as pathogenic.

Clinical Genetics Service, Universitary Hospital 12 de Octubre
Classification: Pathogenic for Usher syndrome type 2A. Review status: criteria provided, single submitter. Criteria: ACMG Guidelines, 2015. Collection method: clinical testing. Allele origin: maternal. Affected: yes. Not counted in ClinVar's aggregate classification.

Counsyl
Classification: Likely pathogenic for Usher syndrome type 2A. Last evaluated: 2016-08-18. Review status: no assertion criteria provided. Collection method: clinical testing. Allele origin: unknown. Not counted in ClinVar's aggregate classification.

Counsyl
Classification: Likely pathogenic for Retinitis pigmentosa 39. Last evaluated: 2016-08-18. Review status: no assertion criteria provided. Collection method: clinical testing. Allele origin: unknown. Not counted in ClinVar's aggregate classification.

Literature cited by the submitters: PubMed 10729113 (cited by Labcorp Genetics (formerly Invitae), Labcorp); PubMed 10909849 (cited by Labcorp Genetics (formerly Invitae), Labcorp); PubMed 20507924 (cited by Labcorp Genetics (formerly Invitae), Labcorp); PubMed 25649381 (cited by Labcorp Genetics (formerly Invitae), Labcorp).